The following is an entry in ClinVar:

ClinVar aggregate classification (germline): Likely pathogenic. Review status: criteria provided, multiple submitters, no conflicts (2 of 4 stars). 2 submissions from 2 submitters: Likely pathogenic (2). Last evaluated 2023-07-18.

Conditions:
Niemann-Pick disease, type C1. Also called: NEUROVISCERAL STORAGE DISEASE WITH VERTICAL SUPRANUCLEAR OPHTHALMOPLEGIA; NIEMANN-PICK DISEASE WITH CHOLESTEROL ESTERIFICATION BLOCK; NIEMANN-PICK DISEASE WITHOUT SPHINGOMYELINASE DEFICIENCY; NIEMANN-PICK DISEASE, CHRONIC NEURONOPATHIC FORM; NIEMANN-PICK DISEASE, VARIANT TYPE C1. Identifiers: Orphanet 646, MedGen C3179455, MONDO:0009757, OMIM 257220.

Allele frequency attached by ClinVar (database versions not stated): gnomAD 0.00001; gnomAD exomes 0.00001; TOPMed 0.00001.
gnomAD v4.1: 9 of 1,613,756 alleles (0.00056%); highest among the groups gnomAD compares: Non-Finnish European, 0.00068%; no homozygotes.

Submissions (2):

Labcorp Genetics (formerly Invitae), Labcorp
Classification: Likely pathogenic for Niemann-Pick disease, type C1. Last evaluated: 2023-07-18. Review status: criteria provided, single submitter. Criteria: Invitae Variant Classification Sherloc (09022015). Collection method: clinical testing. Allele origin: germline.
Comment: ClinVar contains an entry for this variant (Variation ID: 1677924). In summary, the currently available evidence indicates that the variant is pathogenic, but additional data are needed to prove that conclusively. Therefore, this variant has been classified as Likely Pathogenic. Algorithms developed to predict the effect of sequence changes on RNA splicing suggest that this variant may disrupt the consensus splice site. This variant has not been reported in the literature in individuals affected with NPC1-related conditions. This variant is not present in population databases (gnomAD no frequency). This sequence change affects an acceptor splice site in intron 7 of the NPC1 gene. It is expected to disrupt RNA splicing. Variants that disrupt the donor or acceptor splice site typically lead to a loss of protein function (PMID: 16199547), and loss-of-function variants in NPC1 are known to be pathogenic (PMID: 9211850).

AiLife Diagnostics
Classification: Likely pathogenic. Last evaluated: 2022-02-16. Review status: criteria provided, single submitter. Criteria: ACMG Guidelines, 2015. Collection method: clinical testing. Allele origin: germline. Affected: yes. Observed: 1 variant allele.

Literature cited by the submitters: PubMed 16199547 (cited by Labcorp Genetics (formerly Invitae), Labcorp); PubMed 9211850 (cited by Labcorp Genetics (formerly Invitae), Labcorp).

NM_000271.5(NPC1):c.956-2A>G

Gene: NPC1 (NPC intracellular cholesterol transporter 1; minus strand). Cytogenetic location: 18q11.2.
Variant type: single nucleotide variant.
Coding change: c.956-2A>G on transcript NM_000271.5 (MANE Select); the canonical splice acceptor site of the intron before coding-DNA position 956, A replaced by G.
Molecular consequence: splice acceptor variant.
Genome position (GRCh38, 1-based): chr18:23,556,615, T>C on the plus strand (A>G on the coding strand, the complement: NPC1 is on the minus strand). VCF-style: chr18-23556615-T-C. GRCh37 (hg19) VCF-style: chr18-21136579-T-C.
Identifiers: ClinVar variation 1677924 (VCV001677924.5), dbSNP rs1473909084, ClinGen allele CA401779223.